The following is an entry in ClinVar:

NM_018418.5(SPATA7):c.1447G>A (p.Glu483Lys)

Gene: SPATA7 (spermatogenesis associated 7; plus strand). Cytogenetic location: 14q31.3.
Variant type: single nucleotide variant.
Coding change: c.1447G>A on transcript NM_018418.5 (MANE Select); coding-DNA position 1447, G replaced by A.
Protein change: p.Glu483Lys; replaces glutamic acid 483 with lysine.
Molecular consequence: missense variant.
Genome position (GRCh38, 1-based): chr14:88,438,069, G>A. VCF-style: chr14-88438069-G-A. GRCh37 (hg19) VCF-style: chr14-88904413-G-A.
Other names: c.1447G>A (NM_018418.4); c.1351G>A, p.Glu451Lys (NM_001040428.4); short protein forms E451K, E483K.
Identifiers: ClinVar variation 1056880 (VCV001056880.6), dbSNP rs1322871614, ClinGen allele CA390571936.

ClinVar aggregate classification (germline): Uncertain significance. Review status: criteria provided, multiple submitters, no conflicts (2 of 4 stars). 2 submissions from 2 submitters: Uncertain significance (2). Last evaluated 2024-10-03.

Conditions:
Inborn genetic diseases. Identifiers: MedGen C0950123, MeSH D030342.
Leber congenital amaurosis 3 (LCA3). Also called: SPATA7-Related Retinitis Pigmentosa. Identifiers: MedGen C1858677, MONDO:0011415, OMIM 604232.

Allele frequency attached by ClinVar (database versions not stated): TOPMed below 0.00001; gnomAD exomes 0.00001.
gnomAD v4.1: 18 of 1,614,084 alleles (0.0011%); highest among the groups gnomAD compares: South Asian, 0.0022%; no homozygotes.

Submissions (2):

Ambry Genetics
Classification: Uncertain significance for Inborn genetic diseases. Last evaluated: 2024-10-03. Review status: criteria provided, single submitter. Criteria: Ambry Variant Classification Scheme 2023. Collection method: clinical testing. Allele origin: germline.

Labcorp Genetics (formerly Invitae), Labcorp
Classification: Uncertain significance for Leber congenital amaurosis 3. Last evaluated: 2022-08-05. Review status: criteria provided, single submitter. Criteria: Invitae Variant Classification Sherloc (09022015). Collection method: clinical testing. Allele origin: germline.
Comment: In summary, the available evidence is currently insufficient to determine the role of this variant in disease. Therefore, it has been classified as a Variant of Uncertain Significance. Algorithms developed to predict the effect of missense changes on protein structure and function output the following: SIFT: "Tolerated"; PolyPhen-2: "Benign"; Align-GVGD: "Class C0". The lysine amino acid residue is found in multiple mammalian species, which suggests that this missense change does not adversely affect protein function. ClinVar contains an entry for this variant (Variation ID: 1056880). This variant has not been reported in the literature in individuals affected with SPATA7-related conditions. This variant is present in population databases (no rsID available, gnomAD 0.003%). This sequence change replaces glutamic acid, which is acidic and polar, with lysine, which is basic and polar, at codon 483 of the SPATA7 protein (p.Glu483Lys).